The following is an entry in ClinVar:

NM_004385.5(VCAN):c.7610A>G (p.Lys2537Arg)

Genes: VCAN (versican; plus strand), VCAN-AS1 (VCAN antisense RNA 1; minus strand). Cytogenetic location: 5q14.3.
Variant type: single nucleotide variant.
Coding change: c.7610A>G on transcript NM_004385.5 (MANE Select); coding-DNA position 7610, A replaced by G.
Protein change: p.Lys2537Arg; replaces lysine 2537 with arginine.
Molecular consequence: missense variant. On other transcripts: intron variant (2).
Genome position (GRCh38, 1-based): chr5:83,540,613, A>G. VCF-style: chr5-83540613-A-G. GRCh37 (hg19) VCF-style: chr5-82836432-A-G.
Other names: c.4649A>G, p.Lys1550Arg (NM_001164097.2); c.4004-4924A>G (NM_001164098.2); c.1043-4924A>G (NM_001126336.3); short protein forms K2537R, K1550R.
Identifiers: ClinVar variation 1391248 (VCV001391248.7), dbSNP rs1407686507, ClinGen allele CA360315105.
Genomic context (GRCh38, chr5:83,540,613, plus strand): 5'-ACGGTAGTTTCCAAGACCGTTTCAGGGAATTCGAGGATTCCACCTTAAAACCTAACAGAA[A>G]AAAACCCACTGAAAATATTATCATAGACCTGGACAAAGAGGACAAGGATTTAATATTGAC-3'
Protein context (NP_004376.2, residues 2527-2547): FEDSTLKPNR[Lys2537Arg]KPTENIIIDL

ClinVar aggregate classification (germline): Conflicting classifications of pathogenicity. Review status: criteria provided, conflicting classifications (1 of 4 stars). 2 submissions from 2 submitters: Uncertain significance (1); Likely benign (1). Last evaluated 2026-08-01.

Submissions (2):

CeGaT Center for Human Genetics Tuebingen
Classification: Likely benign. Last evaluated: 2026-08-01. Review status: criteria provided, single submitter. Criteria: CeGaT Center For Human Genetics Tuebingen Variant Classification Criteria Version 2. Collection method: clinical testing. Allele origin: germline. Affected: yes. Observed: 1 variant allele.
Comment: VCAN: BP4

Labcorp Genetics (formerly Invitae), Labcorp
Classification: Uncertain significance. Last evaluated: 2021-11-19. Review status: criteria provided, single submitter. Criteria: Invitae Variant Classification Sherloc (09022015). Collection method: clinical testing. Allele origin: germline.
Comment: In summary, the available evidence is currently insufficient to determine the role of this variant in disease. Therefore, it has been classified as a Variant of Uncertain Significance. Algorithms developed to predict the effect of missense changes on protein structure and function output the following: SIFT: "Tolerated"; PolyPhen-2: "Benign"; Align-GVGD: "Class C0". The arginine amino acid residue is found in multiple mammalian species, which suggests that this missense change does not adversely affect protein function. This variant has not been reported in the literature in individuals affected with VCAN-related conditions. This variant is present in population databases (no rsID available, gnomAD 0.04%). This sequence change replaces lysine, which is basic and polar, with arginine, which is basic and polar, at codon 2537 of the VCAN protein (p.Lys2537Arg).